The following is an entry in ClinVar:

ClinVar aggregate classification (germline): Likely pathogenic (1 of 4 stars; one submission).

Submission:

CeGaT Center for Human Genetics Tuebingen
Classification: Likely pathogenic. Last evaluated: 2024-07-01. Review status: criteria provided, single submitter. Criteria: CeGaT Center For Human Genetics Tuebingen Variant Classification Criteria Version 2. Collection method: clinical testing. Allele origin: germline. Affected: yes. Observed: 2 variant alleles.
Comment: GRHL2: PVS1:Strong, PM2

NM_024915.4(GRHL2):c.801del (p.Met267fs)

Gene: GRHL2 (grainyhead like transcription factor 2; plus strand). Cytogenetic location: 8q22.3.
Variant type: Deletion.
Coding change: c.801del on transcript NM_024915.4 (MANE Select); coding-DNA position 801, one base deleted (G; older notation c.801delG).
Protein change: p.Met267fs; shifts the reading frame from methionine 267.
Molecular consequence: frameshift variant.
Genome position (GRCh38, 1-based): chr8:101,573,734, G deleted. VCF-style (leftmost placement, unchanged base first): chr8-101573733-TG-T. GRCh37 (hg19) VCF-style: chr8-102585961-TG-T.
Other names: c.753del, p.Met251fs (NM_001330593.2); short protein forms M251fs, M267fs.
Identifiers: ClinVar variation 425447 (VCV000425447.43), dbSNP rs1064797348, ClinGen allele CA16621868.